The following is an entry in ClinVar:

NM_000048.4(ASL):c.1164C>T (p.His388=)

Gene: ASL (argininosuccinate lyase; plus strand). Cytogenetic location: 7q11.21.
Variant type: single nucleotide variant.
Coding change: c.1164C>T on transcript NM_000048.4 (MANE Select); coding-DNA position 1164, C replaced by T.
Protein change: p.His388=; no amino-acid change (histidine 388 retained).
Molecular consequence: synonymous variant.
Genome position (GRCh38, 1-based): chr7:66,092,577, C>T. VCF-style: chr7-66092577-C-T. GRCh37 (hg19) VCF-style: chr7-65557564-C-T.
Other names: c.1164C>T, p.His388= (NM_001024943.2); c.1104C>T, p.His368= (NM_001024944.2); c.1086C>T, p.His362= (NM_001024946.2).
Identifiers: ClinVar variation 92358 (VCV000092358.34), dbSNP rs75300185, ClinGen allele CA151909.

ClinVar aggregate classification (germline): Benign/Likely benign. Review status: criteria provided, multiple submitters, no conflicts (2 of 4 stars). 12 submissions from 12 submitters: Benign (6); Likely benign (2). 4 of the submissions do not count toward it. Last evaluated 2026-02-04.

Conditions:
Argininosuccinate lyase deficiency. Also called: ARGININOSUCCINIC ACID LYASE DEFICIENCY; ASL DEFICIENCY; Argininosuccinic aciduria. Identifiers: Orphanet 23, MedGen C0268547, MONDO:0008815, OMIM 207900, HP:0025630.

Allele frequency attached by ClinVar (database versions not stated): gnomAD 0.01491 and 0.01380; ExAC 0.02080; gnomAD exomes 0.02182 and 0.01021; 1000 Genomes Project 30x 0.02748; 1000 Genomes Project 0.03015; ESP Exome Variant Server 0.00454; TOPMed 0.01119.

Submissions (12):

Labcorp Genetics (formerly Invitae), Labcorp
Classification: Benign for Argininosuccinate lyase deficiency. Last evaluated: 2026-02-04. Review status: criteria provided, single submitter. Criteria: Invitae Variant Classification Sherloc (09022015). Collection method: clinical testing. Allele origin: germline.

Genome-Nilou Lab
Classification: Benign for Argininosuccinate lyase deficiency. Last evaluated: 2021-07-01. Review status: criteria provided, single submitter. Criteria: ACMG Guidelines, 2015. Collection method: clinical testing. Allele origin: germline. Affected: no.

Illumina Laboratory Services, Illumina
Classification: Benign for Argininosuccinate lyase deficiency. Last evaluated: 2018-01-13. Review status: criteria provided, single submitter. Criteria: ICSL Variant Classification Criteria 13 December 2019. Collection method: clinical testing. Allele origin: germline.
Comment: This variant was observed in the ICSL laboratory as part of a predisposition screen in an ostensibly healthy population. It had not been previously curated by ICSL or reported in the Human Gene Mutation Database (HGMD: prior to June 1st, 2018), and was therefore a candidate for classification through an automated scoring system. Utilizing variant allele frequency, disease prevalence and penetrance estimates, and inheritance mode, an automated score was calculated to assess if this variant is too frequent to cause the disease. Based on the score and internal cut-off values, a variant classified as benign is not then subjected to further curation. The score for this variant resulted in a classification of benign for this disease.

GeneDx
Classification: Benign. Last evaluated: 2017-11-17. Review status: criteria provided, single submitter. Criteria: GeneDx Variant Classification (06012015). Collection method: clinical testing. Allele origin: germline. Affected: yes.
Comment: This variant is considered likely benign or benign based on one or more of the following criteria: it is a conservative change, it occurs at a poorly conserved position in the protein, it is predicted to be benign by multiple in silico algorithms, and/or has population frequency not consistent with disease.

Center for Pediatric Genomic Medicine, Children's Mercy Hospital and Clinics
Classification: Likely benign. Last evaluated: 2016-11-01. Review status: criteria provided, single submitter. Criteria: ACMG Guidelines, 2015. Collection method: clinical testing. Allele origin: germline.
ClinVar note: Converted during submission from Likely Benign to Likely benign.

Eurofins Ntd Llc (ga)
Classification: Benign. Last evaluated: 2014-12-05. Review status: criteria provided, single submitter. Criteria: EGL Classification Definitions 2015. Collection method: clinical testing. Allele origin: germline. Observed: 1 variant allele, 1 heterozygote.

Breakthrough Genomics
Classification: Likely benign. Review status: criteria provided, single submitter. Criteria: ACMG Guidelines, 2015. Collection method: not provided. Allele origin: germline. Inheritance: Autosomal recessive inheritance. Affected: yes.

PreventionGenetics, part of Exact Sciences
Classification: Benign. Review status: criteria provided, single submitter. Criteria: ACMG Guidelines, 2015. Collection method: clinical testing. Allele origin: germline.

Natera, Inc.
Classification: Benign for Argininosuccinate lyase deficiency. Last evaluated: 2019-11-26. Review status: no assertion criteria provided. Collection method: clinical testing. Allele origin: germline. Not counted in ClinVar's aggregate classification.

Clinical Genetics, Academic Medical Center
Classification: Benign. Review status: no assertion criteria provided. Collection method: clinical testing. Allele origin: germline. Affected: yes. Study: VKGL Data-share Consensus. Not counted in ClinVar's aggregate classification.

Genetic Services Laboratory, University of Chicago
Classification: Likely benign for AllHighlyPenetrant. Review status: no assertion criteria provided. Collection method: clinical testing. Allele origin: germline. Inheritance: Autosomal recessive inheritance. Not counted in ClinVar's aggregate classification.
Comment: Likely benign based on allele frequency in 1000 Genomes Project or ESP global frequency and its presence in a patient with a rare or unrelated disease phenotype. NOT Sanger confirmed.

Joint Genome Diagnostic Labs from Nijmegen and Maastricht, Radboudumc and MUMC+
Classification: Likely benign. Review status: no assertion criteria provided. Collection method: clinical testing. Allele origin: germline. Affected: yes. Study: VKGL Data-share Consensus. Not counted in ClinVar's aggregate classification.